The following is an entry in ClinVar:

NM_005120.3(MED12):c.6216G>A (p.Gln2072=)

Gene: MED12 (mediator complex subunit 12; plus strand). Cytogenetic location: Xq13.1.
Variant type: single nucleotide variant.
Coding change: c.6216G>A on transcript NM_005120.3 (MANE Select); coding-DNA position 6216, G replaced by A.
Protein change: p.Gln2072=; no amino-acid change (glutamine 2072 retained).
Molecular consequence: synonymous variant.
Genome position (GRCh38, 1-based): chrX:71,140,806, G>A. VCF-style: chrX-71140806-G-A. GRCh37 (hg19) VCF-style: chrX-70360656-G-A.
Identifiers: ClinVar variation 4821104 (VCV004821104.4).

ClinVar aggregate classification (germline): Likely benign (1 of 4 stars; one submission).

Submission:

CeGaT Center for Human Genetics Tuebingen
Classification: Likely benign. Last evaluated: 2026-01-01. Review status: criteria provided, single submitter. Criteria: CeGaT Center For Human Genetics Tuebingen Variant Classification Criteria Version 2. Collection method: clinical testing. Allele origin: germline. Affected: yes. Observed: 1 variant allele.
Comment: MED12: PM2:Supporting, BP4, BP7